The following is an entry in ClinVar:

ClinVar aggregate classification (germline): Likely pathogenic (1 of 4 stars; one submission).

Conditions:
Vascular malformation. Also called: Vascular malformations. Identifiers: MedGen C0158570, MONDO:0024291.

Submission:

Clinical Genomics Laboratory, Washington University in St. Louis
Classification: Likely pathogenic for Vascular malformation. Last evaluated: 2025-07-28. Review status: criteria provided, single submitter. Criteria: Leon-Quintero et al. (Clin Genet. 2025). Collection method: clinical testing. Allele origin: somatic. Affected: yes.
Comment: The KRAS c.194_220dup (p.Ser65_Arg73dup) variant was identified at an allelic fraction consistent with somatic origin. This variant, to our knowledge, has not been reported in the medical literature. This variant is absent from the general population (gnomAD v4.1.0), indicating it is not a common variant. This variant is predicted to cause a change in the length of the protein due to an in-frame duplication of nine amino acids in a non-repeat region. This variant resides within the switch II domain, amino acids 58-72, of KRAS that is defined as a critical functional domain (Eijkelenboom A et al., PMID: 31160609; Hou et al., PMID: 36571464). Based on available information and an internally developed protocol informed by the ACMG/AMP guidelines for variant interpretation and gene-specific practices from the ClinGen Criteria Specification Registry (Leon-Quintero FZ et al., PMID: 39434542), the KRAS c.194_220dup (p.Ser65_Arg73dup) variant is classified as likely pathogenic.

NM_004985.5(KRAS):c.194_220dup (p.Arg73_Thr74insSerAlaMetArgAspGlnTyrMetArg)

Gene: KRAS (KRAS proto-oncogene, GTPase; minus strand). Cytogenetic location: 12p12.1.
Variant type: Duplication.
Coding change: c.194_220dup on transcript NM_004985.5 (MANE Select); coding-DNA positions 194 to 220, 27 bases duplicated (GTGCAATGAGGGACCAGTACATGAGGA).
Protein change: p.Arg73_Thr74insSerAlaMetArgAspGlnTyrMetArg.
Molecular consequence: inframe insertion.
Genome position (GRCh38, 1-based): chr12:25,227,304-25,227,330, TCCTCATGTACTGGTCCCTCATTGCAC duplicated on the plus strand (GTGCAATGAGGGACCAGTACATGAGGA on the coding strand, the reverse complement: KRAS is on the minus strand); duplicating any 27 consecutive bases within chr12:25,227,304-25,227,331 gives the same sequence; the c. name uses the placement nearest the transcript's 3' end. VCF-style (leftmost placement, unchanged base first): chr12-25227303-G-GTCCTCATGTACTGGTCCCTCATTGCAC. GRCh37 (hg19) VCF-style: chr12-25380237-G-GTCCTCATGTACTGGTCCCTCATTGCAC.
Other names: c.194_220dup, p.Arg73_Thr74insSerAlaMetArgAspGlnTyrMetArg (NM_001369786.1, NM_001369787.1, NM_033360.4).
Identifiers: ClinVar variation 4279987 (VCV004279987.1).
Genomic context (GRCh38, chr12:25,227,303, plus strand): 5'-TGAATATCTTCAAATGATTTAGTATTATTTATGGCAAATACACAAAGAAAGCCCTCCCCA[G>GTCCTCATGTACTGGTCCCTCATTGCAC]TCCTCATGTACTGGTCCCTCATTGCACTGTACTCCTCTTGACCTGCTGTGTCGAGAATAT-3'